The following is an entry in ClinVar:

ClinVar aggregate classification (germline): Uncertain significance (1 of 4 stars; one submission).

Conditions:
Frontotemporal dementia and/or amyotrophic lateral sclerosis 4. Also called: FTDALS4. Identifiers: Orphanet 275872, MedGen C4225325, MONDO:0014641, OMIM 616439.

Submission:

Neuberg Centre For Genomic Medicine, NCGM
Classification: Uncertain significance for Frontotemporal dementia and/or amyotrophic lateral sclerosis 4. Review status: criteria provided, single submitter. Criteria: ACMG Guidelines, 2015. Collection method: clinical testing. Allele origin: germline. Inheritance: Autosomal dominant inheritance. Affected: yes.
Comment: The missense variant p.S5Y in TBK1 (NM_013254.4) has not been reported previously as a pathogenic variant nor as a benign variant, to our knowledge. The p.S5Y variant is novel (not in any individuals) in gnomAD Exomes and is novel (not in any individuals) in 1000 Genomes. The p.S5Y missense variant is predicted to be damaging by both SIFT and PolyPhen2. The nucleotide c.14 in TBK1 is predicted conserved by GERP++ and PhyloP across 100 vertebrates. For these reasons, this variant has been classified as Uncertain Significance.

NM_013254.4(TBK1):c.14C>A (p.Ser5Tyr)

Gene: TBK1 (TANK binding kinase 1; plus strand). Cytogenetic location: 12q14.2.
Variant type: single nucleotide variant.
Coding change: c.14C>A on transcript NM_013254.4 (MANE Select); coding-DNA position 14, C replaced by A.
Protein change: p.Ser5Tyr; replaces serine 5 with tyrosine.
Molecular consequence: missense variant.
Genome position (GRCh38, 1-based): chr12:64,455,884, C>A. VCF-style: chr12-64455884-C-A. GRCh37 (hg19) VCF-style: chr12-64849664-C-A.
Other names: short protein forms S5Y.
Identifiers: ClinVar variation 2627491 (VCV002627491.1), dbSNP rs764400429, ClinGen allele CA385592787.
Genomic context (GRCh38, chr12:64,455,884, plus strand): 5'-TTTTTTTTTCTCTTAGTATAACAAGAGGATTGCCTGATCCAGCCAAGATGCAGAGCACTT[C>A]TAATCATCTGTGGCTTTTATCTGATATTTTAGGCCAAGGAGCTACTGCAAATGTCTTTCG-3'
Protein context (NP_037386.1, residues 1-15): MQST[Ser5Tyr]NHLWLLSDIL